The following is an entry in ClinVar:

NM_001077446.4(TSEN34):c.909C>T (p.Ser303=)

Gene: TSEN34 (tRNA splicing endonuclease subunit 34; plus strand). Cytogenetic location: 19q13.42.
Variant type: single nucleotide variant.
Coding change: c.909C>T on transcript NM_001077446.4 (MANE Select); coding-DNA position 909, C replaced by T.
Protein change: p.Ser303=; no amino-acid change (serine 303 retained).
Molecular consequence: synonymous variant. On other transcripts: intron variant (1).
Genome position (GRCh38, 1-based): chr19:54,193,338, C>T. VCF-style: chr19-54193338-C-T. GRCh37 (hg19) VCF-style: chr19-54697193-C-T.
Other names: c.909C>T, p.Ser303= (NM_001282332.2, NM_001386740.1, NM_024075.5); c.889+20C>T (NM_001282333.2).
Identifiers: ClinVar variation 509762 (VCV000509762.9), dbSNP rs527293280, ClinGen allele CA309376474.

ClinVar aggregate classification (germline): Likely benign. Review status: criteria provided, multiple submitters, no conflicts (2 of 4 stars). 2 submissions from 2 submitters: Likely benign (2). Last evaluated 2024-10-17.

Allele frequency attached by ClinVar (database versions not stated): gnomAD 0.00004 and 0.00009; gnomAD exomes 0.00007 and 0.00020; TOPMed 0.00010; 1000 Genomes Project 0.00020; ExAC 0.00027; 1000 Genomes Project 30x 0.00031.
gnomAD v4.1: 120 of 1,614,172 alleles (0.0074%); highest among the groups gnomAD compares: East Asian, 0.089%; no homozygotes.

Submissions (2):

Labcorp Genetics (formerly Invitae), Labcorp
Classification: Likely benign. Last evaluated: 2024-10-17. Review status: criteria provided, single submitter. Criteria: Invitae Variant Classification Sherloc (09022015). Collection method: clinical testing. Allele origin: germline.

GeneDx
Classification: Likely benign. Last evaluated: 2017-05-31. Review status: criteria provided, single submitter. Criteria: GeneDx Variant Classification (06012015). Collection method: clinical testing. Allele origin: germline. Affected: yes.
Comment: This variant is considered likely benign or benign based on one or more of the following criteria: it is a conservative change, it occurs at a poorly conserved position in the protein, it is predicted to be benign by multiple in silico algorithms, and/or has population frequency not consistent with disease.